The following is an entry in ClinVar:

NM_014141.6(CNTNAP2):c.475G>T (p.Val159Leu)

Gene: CNTNAP2 (contactin associated protein 2; plus strand). Cytogenetic location: 7q35.
Variant type: single nucleotide variant.
Coding change: c.475G>T on transcript NM_014141.6 (MANE Select); coding-DNA position 475, G replaced by T.
Protein change: p.Val159Leu; replaces valine 159 with leucine.
Molecular consequence: missense variant.
Genome position (GRCh38, 1-based): chr7:147,043,979, G>T. VCF-style: chr7-147043979-G-T. GRCh37 (hg19) VCF-style: chr7-146741071-G-T.
Other names: short protein forms V159L.
Identifiers: ClinVar variation 1319003 (VCV001319003.2), dbSNP rs776537172, ClinGen allele CA4545797.

ClinVar aggregate classification (germline): Uncertain significance (1 of 4 stars; one submission).

Allele frequency attached by ClinVar (database versions not stated): TOPMed below 0.00001; ExAC 0.00001; gnomAD 0.00001.
gnomAD v4.1: 4 of 1,614,074 alleles (0.00025%); highest among the groups gnomAD compares: East Asian, 0.0089%; no homozygotes.

Submission:

GeneDx
Classification: Uncertain significance. Last evaluated: 2020-01-21. Review status: criteria provided, single submitter. Criteria: GeneDx Variant Classification Process June 2021. Collection method: clinical testing. Allele origin: germline. Affected: yes.
Comment: In silico analysis, which includes protein predictors and evolutionary conservation, supports that this variant does not alter protein structure/function; Has not been previously published as pathogenic or benign to our knowledge